The following is an entry in ClinVar:

ClinVar aggregate classification (germline): Pathogenic (1 of 4 stars; one submission).

Conditions:
Autosomal recessive spinocerebellar ataxia 20. Identifiers: Orphanet 397709, MedGen C5190595, MONDO:0014601, OMIM 616354.

gnomAD v4.1: 1 of 1,537,660 alleles (0.000065%); highest among the groups gnomAD compares: Non-Finnish European, 0.000089%; no homozygotes.

Submission:

Genetics Laboratory, UDIAT-Centre Diagnòstic, Hospital Universitari Parc Tauli
Classification: Pathogenic for autosomal recessive spinocerebellar ataxia 20. Last evaluated: 2023-12-15. Review status: criteria provided, single submitter. Criteria: ACMG Guidelines, 2015. Collection method: clinical testing. Allele origin: unknown. Inheritance: Autosomal recessive inheritance. Affected: yes.
Comment: PVS1_very strong;PM2_supporting;PM3_moderate

NM_153816.6(SNX14):c.1811-8A>G

Gene: SNX14 (sorting nexin 14; minus strand). Cytogenetic location: 6q14.3.
Variant type: single nucleotide variant.
Coding change: c.1811-8A>G on transcript NM_153816.6 (MANE Select); 8 bases into the intron before coding-DNA position 1811, A replaced by G.
Molecular consequence: intron variant.
Genome position (GRCh38, 1-based): chr6:85,530,283, T>C on the plus strand (A>G on the coding strand, the complement: SNX14 is on the minus strand). VCF-style: chr6-85530283-T-C. GRCh37 (hg19) VCF-style: chr6-86240001-T-C.
Other names: c.1520-8A>G (NM_001350543.2); c.1652-8A>G (NM_001350539.2, NM_020468.6); c.1523-8A>G (NM_001350542.2); c.1367-8A>G (NM_001350546.2, NM_001350545.2); c.761-8A>G (NM_001350547.2); c.1511-8A>G (NM_001350544.2); c.629-8A>G (NM_001350553.2); c.656-8A>G (NM_001350549.2, NM_001350548.2, NM_001350551.2 and 2 more transcripts); and 9 more.
Identifiers: ClinVar variation 3897619 (VCV003897619.1).
Genomic context (GRCh38, chr6:85,530,283, plus strand): 5'-ATAGAATTCAAGATATCTTCTATAGACAGACCAATGTTCAGGCTCGTGTCCAACTGTAAA[T>C]TGAGTACACACACACTGAGTAACAAATAATTTCAAAACCTAAAAGAATGCCATATTTAAA-3'